The following is an entry in ClinVar:

NM_001077418.3(TMEM231):c.583-9G>A

Gene: TMEM231 (transmembrane protein 231; minus strand). Cytogenetic location: 16q23.1.
Variant type: single nucleotide variant.
Coding change: c.583-9G>A on transcript NM_001077418.3 (MANE Select); 9 bases into the intron before coding-DNA position 583, G replaced by A.
Molecular consequence: intron variant.
Genome position (GRCh38, 1-based): chr16:75,542,692, C>T on the plus strand (G>A on the coding strand, the complement: TMEM231 is on the minus strand). VCF-style: chr16-75542692-C-T. GRCh37 (hg19) VCF-style: chr16-75576590-C-T.
Other names: c.742-9G>A (NM_001077416.2).
Identifiers: ClinVar variation 1565380 (VCV001565380.11), dbSNP rs371734111, ClinGen allele CA8176122.
Genomic context (GRCh38, chr16:75,542,692, plus strand): 5'-GGGTGAGGTCGTAGTCATAGGCAAAGGGGCTGGTCCCGTTGATCACGGATATCTGGGACA[C>T]GGGAGGAGGATGTGGTGTGAGCACCTGGGAGACTCCTCCCCTTTTCCTTCTACCCTTCTG-3'

ClinVar aggregate classification (germline): Likely benign. Review status: criteria provided, multiple submitters, no conflicts (2 of 4 stars). 3 submissions from 3 submitters: Likely benign (2). 1 of the submissions does not count toward it. Last evaluated 2026-01-24.

Conditions:
TMEM231-related disorder. Also called: TMEM231-related condition.
Meckel syndrome, type 11 (MKS11). Identifiers: Orphanet 564, MedGen C3809352, MONDO:0014164, OMIM 615397.
Joubert syndrome 20 (JBTS20). Identifiers: Orphanet 475, MedGen C3554235, MONDO:0013994, OMIM 614970.

Allele frequency attached by ClinVar (database versions not stated): ExAC 0.00004; ESP Exome Variant Server 0.00008; gnomAD 0.00010 and 0.00011; TOPMed 0.00010.
gnomAD v4.1: 35 of 1,613,272 alleles (0.0022%); highest among the groups gnomAD compares: African/African-American, 0.029%; no homozygotes.

Submissions (3):

Labcorp Genetics (formerly Invitae), Labcorp
Classification: Likely benign for Joubert syndrome 20; Meckel syndrome, type 11. Last evaluated: 2026-01-24. Review status: criteria provided, single submitter. Criteria: Invitae Variant Classification Sherloc (09022015). Collection method: clinical testing. Allele origin: germline.

Blueprint Genetics
Classification: Likely benign. Last evaluated: 2024-03-20. Review status: criteria provided, single submitter. Criteria: ACMG Guidelines, 2015. Collection method: clinical testing. Allele origin: germline.

PreventionGenetics, part of Exact Sciences
Classification: Likely benign for TMEM231-related condition. Last evaluated: 2019-07-26. Review status: no assertion criteria provided. Collection method: clinical testing. Allele origin: germline. Not counted in ClinVar's aggregate classification.
Comment: This variant is classified as likely benign based on ACMG/AMP sequence variant interpretation guidelines (Richards et al. 2015 PMID: 25741868, with internal and published modifications).